The following is an entry in ClinVar:

NM_001206927.2(DNAH8):c.3548C>T (p.Ala1183Val)

Gene: DNAH8 (dynein axonemal heavy chain 8; plus strand). Cytogenetic location: 6p21.2.
Variant type: single nucleotide variant.
Coding change: c.3548C>T on transcript NM_001206927.2 (MANE Select); coding-DNA position 3548, C replaced by T.
Protein change: p.Ala1183Val; replaces alanine 1183 with valine.
Molecular consequence: missense variant.
Genome position (GRCh38, 1-based): chr6:38,822,862, C>T. VCF-style: chr6-38822862-C-T. GRCh37 (hg19) VCF-style: chr6-38790638-C-T.
Other names: c.2897C>T, p.Ala966Val (NM_001371.4); short protein forms A966V, A1183V.
Identifiers: ClinVar variation 1364993 (VCV001364993.5), dbSNP rs760404927, ClinGen allele CA3788878.

ClinVar aggregate classification (germline): Uncertain significance (1 of 4 stars; one submission).

Conditions:
Primary ciliary dyskinesia. Also called: Ciliary dyskinesia. Identifiers: Orphanet 244, MedGen C0008780, MONDO:0016575, HP:0012265.

Allele frequency attached by ClinVar (database versions not stated): gnomAD exomes below 0.00001; TOPMed below 0.00001; ExAC 0.00001.
gnomAD v4.1: 9 of 1,600,310 alleles (0.00056%); highest among the groups gnomAD compares: Non-Finnish European, 0.00077%; no homozygotes.

Submission:

Labcorp Genetics (formerly Invitae), Labcorp
Classification: Uncertain significance for Primary ciliary dyskinesia. Last evaluated: 2022-06-05. Review status: criteria provided, single submitter. Criteria: Invitae Variant Classification Sherloc (09022015). Collection method: clinical testing. Allele origin: germline.
Comment: In summary, the available evidence is currently insufficient to determine the role of this variant in disease. Therefore, it has been classified as a Variant of Uncertain Significance. Algorithms developed to predict the effect of sequence changes on RNA splicing suggest that this variant may create or strengthen a splice site. Algorithms developed to predict the effect of missense changes on protein structure and function are either unavailable or do not agree on the potential impact of this missense change (SIFT: "Deleterious"; PolyPhen-2: "Not Available"; Align-GVGD: "Class C0"). ClinVar contains an entry for this variant (Variation ID: 1364993). This variant has not been reported in the literature in individuals affected with DNAH8-related conditions. The frequency data for this variant in the population databases is considered unreliable, as metrics indicate poor data quality at this position in the gnomAD database. This sequence change replaces alanine, which is neutral and non-polar, with valine, which is neutral and non-polar, at codon 1183 of the DNAH8 protein (p.Ala1183Val).